The following is an entry in ClinVar:

NC_000021.8:g.(?_46916450)_(46917520_?)del

Gene: COL18A1 (collagen type XVIII alpha 1 chain; plus strand). Cytogenetic location: 21q22.3.
Variant type: Deletion.
Identifiers: ClinVar variation 2427193 (VCV002427193.4).

ClinVar aggregate classification (germline): Uncertain significance (1 of 4 stars; one submission).

Submission:

Labcorp Genetics (formerly Invitae), Labcorp
Classification: Uncertain significance. Last evaluated: 2023-04-24. Review status: criteria provided, single submitter. Criteria: Invitae Variant Classification Sherloc (09022015). Collection method: clinical testing. Allele origin: germline.
Comment: In summary, the available evidence is currently insufficient to determine the role of this variant in disease. Therefore, it has been classified as a Variant of Uncertain Significance. Experimental studies and prediction algorithms are not available or were not evaluated, and the functional significance of this variant is currently unknown. This variant has not been reported in the literature in individuals affected with COL18A1-related conditions. This variant results in the deletion of exon 31 and part of exons 30 and 32 (c.2545_2628del) of the COL18A1 gene. This variant would be expected to be in-frame, preserving the integrity of the reading frame.